The following is an entry in ClinVar:

NM_003060.4(SLC22A5):c.1168G>A (p.Ala390Thr)

Gene: SLC22A5 (solute carrier family 22 member 5; plus strand). Cytogenetic location: 5q31.1.
Variant type: single nucleotide variant.
Coding change: c.1168G>A on transcript NM_003060.4 (MANE Select); coding-DNA position 1168, G replaced by A.
Protein change: p.Ala390Thr; replaces alanine 390 with threonine.
Molecular consequence: missense variant.
Genome position (GRCh38, 1-based): chr5:132,390,805, G>A. VCF-style: chr5-132390805-G-A. GRCh37 (hg19) VCF-style: chr5-131726497-G-A.
Other names: c.1240G>A, p.Ala414Thr (NM_001308122.2); short protein forms A390T, A414T.
Identifiers: ClinVar variation 2419663 (VCV002419663.6), dbSNP rs2532134457, ClinGen allele CA360807666.
Genomic context (GRCh38, chr5:132,390,805, plus strand): 5'-GGGGACATCTTTGTGAACTGCTTCCTTTCAGCGATGGTTGAAGTCCCAGCATATGTGTTG[G>A]CCTGGCTGCTGCTGCAATATTTGCCCCGGCGCTATTCCATGGCCACTGCCCTCTTCCTGG-3'
Protein context (NP_003051.1, residues 380-400): AMVEVPAYVL[Ala390Thr]WLLLQYLPRR

ClinVar aggregate classification (germline): Uncertain significance (1 of 4 stars; one submission).

Conditions:
Renal carnitine transport defect (CDSP). Also called: Systemic primary carnitine deficiency disease; CARNITINE DEFICIENCY, SYSTEMIC, DUE TO DEFECT IN RENAL REABSORPTION OF CARNITINE; CARNITINE TRANSPORTER, PLASMA-MEMBRANE, DEFICIENCY OF; CARNITINE UPTAKE DEFECT; Primary carnitine deficiency; Systemic primary carnitine deficiency. Identifiers: Orphanet 158, MedGen C0342788, MONDO:0008919, OMIM 212140.

Allele frequency attached by ClinVar (database versions not stated): gnomAD exomes below 0.00001.
gnomAD v4.1: 1 of 1,614,180 alleles (0.000062%); highest among the groups gnomAD compares: African/African-American, 0.0013%; no homozygotes.

Submission:

Labcorp Genetics (formerly Invitae), Labcorp
Classification: Uncertain significance for Renal carnitine transport defect. Last evaluated: 2022-08-21. Review status: criteria provided, single submitter. Criteria: Invitae Variant Classification Sherloc (09022015). Collection method: clinical testing. Allele origin: germline.
Comment: This sequence change replaces alanine, which is neutral and non-polar, with threonine, which is neutral and polar, at codon 390 of the SLC22A5 protein (p.Ala390Thr). This variant is not present in population databases (gnomAD no frequency). This variant has not been reported in the literature in individuals affected with SLC22A5-related conditions. Advanced modeling of protein sequence and biophysical properties (such as structural, functional, and spatial information, amino acid conservation, physicochemical variation, residue mobility, and thermodynamic stability) performed at Invitae indicates that this missense variant is not expected to disrupt SLC22A5 protein function. In summary, the available evidence is currently insufficient to determine the role of this variant in disease. Therefore, it has been classified as a Variant of Uncertain Significance.